The following is an entry in ClinVar:

ClinVar aggregate classification (germline): Uncertain significance (1 of 4 stars; one submission).

Conditions:
Catecholaminergic polymorphic ventricular tachycardia 1. Also called: VENTRICULAR TACHYCARDIA, CATECHOLAMINERGIC POLYMORPHIC, 1, WITH OR WITHOUT ATRIAL DYSFUNCTION AND/OR DILATED CARDIOMYOPATHY; VENTRICULAR TACHYCARDIA, STRESS-INDUCED POLYMORPHIC 1; RYR2-Related Catecholaminergic Polymorphic Ventricular Tachycardia. Identifiers: Orphanet 3286, MedGen C1631597, MONDO:0011484, OMIM 604772.

Submission:

Labcorp Genetics (formerly Invitae), Labcorp
Classification: Uncertain significance for Catecholaminergic polymorphic ventricular tachycardia 1. Last evaluated: 2022-05-04. Review status: criteria provided, single submitter. Criteria: Invitae Variant Classification Sherloc (09022015). Collection method: clinical testing. Allele origin: germline.
Comment: In summary, the available evidence is currently insufficient to determine the role of this variant in disease. Therefore, it has been classified as a Variant of Uncertain Significance. Advanced modeling of protein sequence and biophysical properties (such as structural, functional, and spatial information, amino acid conservation, physicochemical variation, residue mobility, and thermodynamic stability) performed at Invitae indicates that this missense variant is not expected to disrupt RYR2 protein function. This variant has not been reported in the literature in individuals affected with RYR2-related conditions. This variant is not present in population databases (gnomAD no frequency). This sequence change replaces leucine, which is neutral and non-polar, with methionine, which is neutral and non-polar, at codon 3050 of the RYR2 protein (p.Leu3050Met).

NM_001035.3(RYR2):c.9148C>A (p.Leu3050Met)

Gene: RYR2 (ryanodine receptor 2; plus strand). Cytogenetic location: 1q43.
Variant type: single nucleotide variant.
Coding change: c.9148C>A on transcript NM_001035.3 (MANE Select); coding-DNA position 9148, C replaced by A.
Protein change: p.Leu3050Met; replaces leucine 3050 with methionine.
Molecular consequence: missense variant.
Genome position (GRCh38, 1-based): chr1:237,700,248, C>A. VCF-style: chr1-237700248-C-A. GRCh37 (hg19) VCF-style: chr1-237863548-C-A.
Other names: short protein forms L3050M.
Identifiers: ClinVar variation 2133330 (VCV002133330.4), dbSNP rs2547364057, ClinGen allele CA345405442.